The following is an entry in ClinVar:

NM_031272.5(TEX14):c.2263T>C (p.Leu755=)

Gene: TEX14 (testis expressed 14, intercellular bridge forming factor; minus strand). Cytogenetic location: 17q22.
Variant type: single nucleotide variant.
Coding change: c.2263T>C on transcript NM_031272.5 (MANE Select); coding-DNA position 2263, T replaced by C.
Protein change: p.Leu755=; no amino-acid change (leucine 755 retained).
Molecular consequence: synonymous variant.
Genome position (GRCh38, 1-based): chr17:58,599,082, A>G on the plus strand (T>C on the coding strand, the complement: TEX14 is on the minus strand). VCF-style: chr17-58599082-A-G. GRCh37 (hg19) VCF-style: chr17-56676443-A-G.
Other names: c.2281T>C, p.Leu761= (NM_001201457.2); c.2263T>C, p.Leu755= (NM_198393.4).
Identifiers: ClinVar variation 3350366 (VCV003350366.1).

ClinVar aggregate classification (germline): Likely benign (0 of 4 stars; one submission).

Conditions:
TEX14-related disorder. Also called: TEX14-related condition.

gnomAD v4.1: 7,565 of 1,614,120 alleles (0.47%); highest among the groups gnomAD compares: Non-Finnish European, 0.59%; 27 homozygotes.

Submission:

PreventionGenetics, part of Exact Sciences
Classification: Likely benign for TEX14-related condition. Last evaluated: 2024-09-07. Review status: no assertion criteria provided. Collection method: clinical testing. Allele origin: germline.
Comment: This variant is classified as likely benign based on ACMG/AMP sequence variant interpretation guidelines (Richards et al. 2015 PMID: 25741868, with internal and published modifications).